The following is an entry in ClinVar:

ClinVar aggregate classification (germline): Uncertain significance. Review status: criteria provided, multiple submitters, no conflicts (2 of 4 stars). 2 submissions from 2 submitters: Uncertain significance (2). Last evaluated 2024-12-09.

Conditions:
Medulloblastoma (MDB). Also called: Medulloblastoma, somatic; MEDULLOBLASTOMA PREDISPOSITION SYNDROME. Identifiers: Orphanet 616, MedGen C0025149, MeSH D008527, MONDO:0007959, OMIM 155255, HP:0002885.

gnomAD v4.1: 1 of 1,614,232 alleles (0.000062%); highest among the groups gnomAD compares: Non-Finnish European, 0.000085%; no homozygotes.

Submissions (2):

Ambry Genetics
Classification: Uncertain significance. Last evaluated: 2024-12-09. Review status: criteria provided, single submitter. Criteria: Ambry Variant Classification Scheme 2023. Collection method: clinical testing. Allele origin: germline.

St. Jude Molecular Pathology, St. Jude Children's Research Hospital
Classification: Uncertain significance for Medulloblastoma. Last evaluated: 2024-02-06. Review status: criteria provided, single submitter. Criteria: St. Jude Assertion Criteria 2020. Collection method: clinical testing. Allele origin: germline.
Comment: The ELP1 c.3071C>T (p.Thr1024Ile) missense change is absent in gnomAD v2.1.1. The in silico tool REVEL predicts a benign effect on protein function, but this prediction has not been confirmed by functional studies. This variant has not been reported in individuals with medulloblastoma or familial dysautonomia. In summary, the evidence currently available is insufficient to determine the clinical significance of this variant. It has therefore been classified as of uncertain significance.

NM_003640.5(ELP1):c.3071C>T (p.Thr1024Ile)

Gene: ELP1 (elongator acetyltransferase complex subunit 1; minus strand). Cytogenetic location: 9q31.3.
Variant type: single nucleotide variant.
Coding change: c.3071C>T on transcript NM_003640.5 (MANE Select); coding-DNA position 3071, C replaced by T.
Protein change: p.Thr1024Ile; replaces threonine 1024 with isoleucine.
Molecular consequence: missense variant.
Genome position (GRCh38, 1-based): chr9:108,891,292, G>A on the plus strand (C>T on the coding strand, the complement: ELP1 is on the minus strand). VCF-style: chr9-108891292-G-A. GRCh37 (hg19) VCF-style: chr9-111653572-G-A.
Other names: c.2729C>T, p.Thr910Ile (NM_001318360.2); c.2024C>T, p.Thr675Ile (NM_001330749.2); short protein forms T1024I, T675I, T910I.
Identifiers: ClinVar variation 3377766 (VCV003377766.2).